The following is an entry in ClinVar:

NM_006000.3(TUBA4A):c.759A>T (p.Thr253=)

Gene: TUBA4A (tubulin alpha 4a; minus strand). Cytogenetic location: 2q35.
Variant type: single nucleotide variant.
Coding change: c.759A>T on transcript NM_006000.3 (MANE Select); coding-DNA position 759, A replaced by T.
Protein change: p.Thr253=; no amino-acid change (threonine 253 retained).
Molecular consequence: synonymous variant.
Genome position (GRCh38, 1-based): chr2:219,250,940, T>A on the plus strand (A>T on the coding strand, the complement: TUBA4A is on the minus strand). VCF-style: chr2-219250940-T-A. GRCh37 (hg19) VCF-style: chr2-220115662-T-A.
Other names: c.714A>T, p.Thr238= (NM_001278552.2).
Identifiers: ClinVar variation 4984165 (VCV004984165.1).
Genomic context (GRCh38, chr2:219,250,940, plus strand): 5'-TGCATAGGTGGCCAGGGGGAAGTGGATGCGAGGGTAGGGCACCAGGTTGGTCTGGAACTC[T>A]GTCAGGTCCACATTGAGGGCCCCGTCAAAGCGCAGAGAAGCTGTGATGGAGGAGACAATT-3'
Protein context (NP_005991.1, residues 243-263): RFDGALNVDL[Thr253=]EFQTNLVPYP

ClinVar aggregate classification (germline): Likely benign (1 of 4 stars; one submission).

Conditions:
TUBA4A-related disorder. Also called: TUBA4A-related condition.

Submission:

PreventionGenetics, part of Exact Sciences
Classification: Likely benign for TUBA4A-related condition. Last evaluated: 2025-02-13. Review status: criteria provided, single submitter. Criteria: ACMG Guidelines, 2015. Collection method: clinical testing. Allele origin: germline.
Comment: This variant is classified as likely benign based on ACMG/AMP sequence variant interpretation guidelines (Richards et al. 2015 PMID: 25741868, with internal and published modifications).